The following is an entry in ClinVar:

ClinVar aggregate classification (germline): Benign. Review status: criteria provided, multiple submitters, no conflicts (2 of 4 stars). 3 submissions from 3 submitters: Benign (2). 1 of the submissions does not count toward it. Last evaluated 2026-01-19.

Conditions:
IGSF10-related disorder. Also called: IGSF10-related condition.

Allele frequency attached by ClinVar (database versions not stated): TOPMed 0.03707; 1000 Genomes Project 30x 0.03873; ESP Exome Variant Server 0.03414; 1000 Genomes Project 0.03494.
gnomAD v4.1: 11,356 of 1,613,992 alleles (0.7%); highest among the groups gnomAD compares: African/African-American, 9.5%; 437 homozygotes.

Submissions (3):

Labcorp Genetics (formerly Invitae), Labcorp
Classification: Benign. Last evaluated: 2026-01-19. Review status: criteria provided, single submitter. Criteria: Invitae Variant Classification Sherloc (09022015). Collection method: clinical testing. Allele origin: germline.

Breakthrough Genomics
Classification: Benign. Review status: criteria provided, single submitter. Criteria: ACMG Guidelines, 2015. Collection method: not provided. Allele origin: germline. Inheritance: Unknown mechanism. Affected: yes.

PreventionGenetics, part of Exact Sciences
Classification: Benign for IGSF10-related condition. Last evaluated: 2019-03-11. Review status: no assertion criteria provided. Collection method: clinical testing. Allele origin: germline. Not counted in ClinVar's aggregate classification.
Comment: This variant is classified as benign based on ACMG/AMP sequence variant interpretation guidelines (Richards et al. 2015 PMID: 25741868, with internal and published modifications).

NM_178822.5(IGSF10):c.6966C>T (p.Ser2322=)

Gene: IGSF10 (immunoglobulin superfamily member 10; minus strand). Cytogenetic location: 3q25.1.
Variant type: single nucleotide variant.
Coding change: c.6966C>T on transcript NM_178822.5 (MANE Select); coding-DNA position 6966, C replaced by T.
Protein change: p.Ser2322=; no amino-acid change (serine 2322 retained).
Molecular consequence: synonymous variant.
Genome position (GRCh38, 1-based): chr3:151,437,595, G>A on the plus strand (C>T on the coding strand, the complement: IGSF10 is on the minus strand). VCF-style: chr3-151437595-G-A. GRCh37 (hg19) VCF-style: chr3-151155383-G-A.
Other names: c.903C>T, p.Ser301= (NM_001178145.3, NM_001178146.3); c.6966C>T, p.Ser2322= (NM_001385060.1, NM_001385061.1, NM_001385062.1 and 1 more transcripts); c.6966C>T (NM_178822.4).
Identifiers: ClinVar variation 1640207 (VCV001640207.10), dbSNP rs41401648, ClinGen allele CA2669405.
Genomic context (GRCh38, chr3:151,437,595, plus strand): 5'-TGGATTTCTAAATGTCGGTCTTCTCAGCATTTCCAGTACTTCTAACTGTACTACCAACAC[G>A]CTCTCTCCACCTTCATTTCGGGCCACACAGATAAAGTCGGCTGAATCTGAAAGCCTCACA-3'
Protein context (NP_849144.2, residues 2312-2332): ICVARNEGGE[Ser2322=]VLVVQLEVLE